The following is an entry in ClinVar:

ClinVar aggregate classification (germline): Uncertain significance (1 of 4 stars; one submission).

Submission:

Labcorp Genetics (formerly Invitae), Labcorp
Classification: Uncertain significance. Last evaluated: 2023-12-09. Review status: criteria provided, single submitter. Criteria: Invitae Variant Classification Sherloc (09022015). Collection method: clinical testing. Allele origin: germline.
Comment: This sequence change replaces leucine, which is neutral and non-polar, with proline, which is neutral and non-polar, at codon 538 of the AXL protein (p.Leu538Pro). This variant is not present in population databases (gnomAD no frequency). This variant has not been reported in the literature in individuals affected with AXL-related conditions. Advanced modeling of protein sequence and biophysical properties (such as structural, functional, and spatial information, amino acid conservation, physicochemical variation, residue mobility, and thermodynamic stability) performed at Invitae indicates that this missense variant is not expected to disrupt AXL protein function with a negative predictive value of 80%. In summary, the available evidence is currently insufficient to determine the role of this variant in disease. Therefore, it has been classified as a Variant of Uncertain Significance.

NM_021913.5(AXL):c.1613T>C (p.Leu538Pro)

Gene: AXL (AXL receptor tyrosine kinase; plus strand). Cytogenetic location: 19q13.2.
Variant type: single nucleotide variant.
Coding change: c.1613T>C on transcript NM_021913.5 (MANE Select); coding-DNA position 1613, T replaced by C.
Protein change: p.Leu538Pro; replaces leucine 538 with proline.
Molecular consequence: missense variant.
Genome position (GRCh38, 1-based): chr19:41,248,589, T>C. VCF-style: chr19-41248589-T-C. GRCh37 (hg19) VCF-style: chr19-41754494-T-C.
Other names: c.809T>C, p.Leu270Pro (NM_001278599.2); c.1586T>C, p.Leu529Pro (NM_001699.6); short protein forms L529P, L270P, L538P.
Identifiers: ClinVar variation 2701901 (VCV002701901.3), dbSNP rs2516426148, ClinGen allele CA405996865.